The following is an entry in ClinVar:

ClinVar aggregate classification (germline): Pathogenic. Review status: criteria provided, multiple submitters, no conflicts (2 of 4 stars). 2 submissions from 2 submitters: Pathogenic (2). Last evaluated 2026-01-13.

Conditions:
Developmental and epileptic encephalopathy, 9 (DEE9). Also called: EPILEPSY, FEMALE-RESTRICTED, WITH MENTAL RETARDATION; JUBERG-HELLMAN SYNDROME; PCDH19-Related X-Linked Female-Limited Epilepsy with Mental Retardation; Early infantile epileptic encephalopathy 9. Identifiers: Orphanet 101039, Orphanet 2076, MedGen C1848137, MONDO:0010246, OMIM 300088. Disease mechanism: loss of function.
PCDH19-related disorder. Also called: PCDH19-related condition.

Submissions (2):

Labcorp Genetics (formerly Invitae), Labcorp
Classification: Pathogenic for Developmental and epileptic encephalopathy, 9. Last evaluated: 2026-01-13. Review status: criteria provided, single submitter. Criteria: Invitae Variant Classification Sherloc (09022015). Collection method: clinical testing. Allele origin: germline.
Comment: This sequence change replaces leucine, which is neutral and non-polar, with proline, which is neutral and non-polar, at codon 433 of the PCDH19 protein (p.Leu433Pro). This variant is not present in population databases (gnomAD no frequency). This missense change has been observed in individual(s) with developmental and epileptic encephalopathy (PMID: 21480887). In at least one individual the variant was observed to be de novo. Invitae Evidence Modeling of protein sequence and biophysical properties (such as structural, functional, and spatial information, amino acid conservation, physicochemical variation, residue mobility, and thermodynamic stability) indicates that this missense variant is expected to disrupt PCDH19 protein function with a positive predictive value of 95%. This variant disrupts the p.Leu433 amino acid residue in PCDH19. Other variant(s) that disrupt this residue have been determined to be pathogenic (internal data). This suggests that this residue is clinically significant, and that variants that disrupt this residue are likely to be disease-causing. For these reasons, this variant has been classified as Pathogenic.

Blueprint Genetics
Classification: Pathogenic for PCDH19-related disorders. Last evaluated: 2024-02-29. Review status: criteria provided, single submitter. Criteria: ACMG Guidelines, 2015. Collection method: clinical testing. Allele origin: germline. Affected: yes. Observed: 2 variant alleles.

Literature cited by the submitters: PubMed 21480887 (cited by Labcorp Genetics (formerly Invitae), Labcorp).

NM_001184880.2(PCDH19):c.1298T>C (p.Leu433Pro)

Gene: PCDH19 (protocadherin 19; minus strand). Cytogenetic location: Xq22.1.
Variant type: single nucleotide variant.
Coding change: c.1298T>C on transcript NM_001184880.2 (MANE Select); coding-DNA position 1298, T replaced by C.
Protein change: p.Leu433Pro; replaces leucine 433 with proline.
Molecular consequence: missense variant.
Genome position (GRCh38, 1-based): chrX:100,407,300, A>G on the plus strand (T>C on the coding strand, the complement: PCDH19 is on the minus strand). VCF-style: chrX-100407300-A-G. GRCh37 (hg19) VCF-style: chrX-99662298-A-G.
Other names: c.1298T>C, p.Leu433Pro (NM_001105243.2, NM_020766.3); short protein forms L433P.
Identifiers: ClinVar variation 4710821 (VCV004710821.2).